The following is an entry in ClinVar:

NM_001165963.4(SCN1A):c.2153G>T (p.Ser718Ile)

Gene: SCN1A (sodium voltage-gated channel alpha subunit 1; minus strand). Cytogenetic location: 2q24.3.
Variant type: single nucleotide variant.
Coding change: c.2153G>T on transcript NM_001165963.4 (MANE Select); coding-DNA position 2153, G replaced by T.
Protein change: p.Ser718Ile; replaces serine 718 with isoleucine.
Molecular consequence: missense variant. On other transcripts: 5 prime UTR variant (1), non-coding transcript variant (1).
Genome position (GRCh38, 1-based): chr2:166,042,315, C>A on the plus strand (G>T on the coding strand, the complement: SCN1A is on the minus strand). VCF-style: chr2-166042315-C-A. GRCh37 (hg19) VCF-style: chr2-166898825-C-A.
Other names: c.2069G>T, p.Ser690Ile (NM_001165964.3, NM_001353957.2, NM_001353958.2); c.2153G>T, p.Ser718Ile (NM_001202435.3, NM_001353948.2); c.2120G>T, p.Ser707Ile (NM_001353949.2, NM_001353950.2, NM_001353951.2 and 2 more transcripts); c.2117G>T, p.Ser706Ile (NM_001353954.2, NM_001353955.2); c.2066G>T, p.Ser689Ile (NM_001353960.2); c.-306G>T (NM_001353961.2); short protein forms S689I, S690I, S706I, S707I, S718I.
Identifiers: ClinVar variation 4689897 (VCV004689897.1).
Genomic context (GRCh38, chr2:166,042,315, plus strand): 5'-GAAAATAATTGAAACGAAAATAGAATTTGTTACCAACCTTCTACTGTATTTGTTAGAATG[C>A]TGGCTATACTCATTGCTCGTTGCCTTTGGGAAGGATCTTCTAGAAAGTCCATGGAAACGT-3'
Protein context (NP_001159435.1, residues 708-728): SQRQRAMSIA[Ser718Ile]ILTNTVEELE

ClinVar aggregate classification (germline): Uncertain significance (1 of 4 stars; one submission).

Submission:

GeneDx
Classification: Uncertain significance. Last evaluated: 2025-07-29. Review status: criteria provided, single submitter. Criteria: GeneDx Variant Classification Process June 2021. Collection method: clinical testing. Allele origin: germline. Affected: yes.
Comment: Not observed at significant frequency in large population cohorts (gnomAD); In silico analysis supports that this missense variant has a deleterious effect on protein structure/function; Has not been previously published as pathogenic or benign to our knowledge; This substitution is predicted to be within the cytoplasmic loop between the first and second homologous domains